The following is an entry in ClinVar:

NM_024652.6(LRRK1):c.3962C>T (p.Ala1321Val)

Genes: LRRK1 (leucine rich repeat kinase 1; plus strand), LRRK1-AS1 (LRRK1 antisense RNA 1; minus strand). Cytogenetic location: 15q26.3.
Variant type: single nucleotide variant.
Coding change: c.3962C>T on transcript NM_024652.6 (MANE Select); coding-DNA position 3962, C replaced by T.
Protein change: p.Ala1321Val; replaces alanine 1321 with valine.
Molecular consequence: missense variant.
Genome position (GRCh38, 1-based): chr15:101,053,328, C>T. VCF-style: chr15-101053328-C-T. GRCh37 (hg19) VCF-style: chr15-101593533-C-T.
Other names: short protein forms A1321V.
Identifiers: ClinVar variation 1369030 (VCV001369030.7), dbSNP rs759654951, ClinGen allele CA7761697.

ClinVar aggregate classification (germline): Uncertain significance (1 of 4 stars; one submission).

Allele frequency attached by ClinVar (database versions not stated): gnomAD 0.00001 and 0.00003; TOPMed 0.00002; ExAC 0.00004; gnomAD exomes 0.00005.
gnomAD v4.1: 60 of 1,604,412 alleles (0.0037%); highest among the groups gnomAD compares: Middle Eastern, 0.049%; no homozygotes.

Submission:

Labcorp Genetics (formerly Invitae), Labcorp
Classification: Uncertain significance. Last evaluated: 2024-11-05. Review status: criteria provided, single submitter. Criteria: Invitae Variant Classification Sherloc (09022015). Collection method: clinical testing. Allele origin: germline.
Comment: This sequence change replaces alanine, which is neutral and non-polar, with valine, which is neutral and non-polar, at codon 1321 of the LRRK1 protein (p.Ala1321Val). This variant is present in population databases (rs759654951, gnomAD 0.01%). This variant has not been reported in the literature in individuals affected with LRRK1-related conditions. ClinVar contains an entry for this variant (Variation ID: 1369030). An algorithm developed to predict the effect of missense changes on protein structure and function (PolyPhen-2) suggests that this variant¬†is likely to be tolerated. In summary, the available evidence is currently insufficient to determine the role of this variant in disease. Therefore, it has been classified as a Variant of Uncertain Significance.